The following is an entry in ClinVar:

ClinVar aggregate classification (germline): Uncertain significance (0 of 4 stars; one submission).

Conditions:
PLXNA4-related disorder. Also called: PLXNA4-related condition.

gnomAD v4.1: 1 of 1,613,456 alleles (0.000062%); no homozygotes.

Submission:

PreventionGenetics, part of Exact Sciences
Classification: Uncertain significance for PLXNA4-related condition. Last evaluated: 2024-05-17. Review status: no assertion criteria provided. Collection method: clinical testing. Allele origin: germline.
Comment: The PLXNA4 c.1894G>A variant is predicted to result in the amino acid substitution p.Val632Ile. To our knowledge, this variant has not been reported in the literature or in a large population database, indicating this variant is rare. At this time, the clinical significance of this variant is uncertain due to the absence of conclusive functional and genetic evidence.

NM_020911.2(PLXNA4):c.1894G>A (p.Val632Ile)

Gene: PLXNA4 (plexin A4; minus strand). Cytogenetic location: 7q32.3.
Variant type: single nucleotide variant.
Coding change: c.1894G>A on transcript NM_020911.2 (MANE Select); coding-DNA position 1894, G replaced by A.
Protein change: p.Val632Ile; replaces valine 632 with isoleucine.
Molecular consequence: missense variant.
Genome position (GRCh38, 1-based): chr7:132,226,249, C>T on the plus strand (G>A on the coding strand, the complement: PLXNA4 is on the minus strand). VCF-style: chr7-132226249-C-T. GRCh37 (hg19) VCF-style: chr7-131911008-C-T.
Other names: c.1894G>A, p.Val632Ile (NM_001393897.1); short protein forms V632I.
Identifiers: ClinVar variation 3355906 (VCV003355906.1).